The following is an entry in ClinVar:

NM_001300.6(KLF6):c.276C>A (p.Ser92Arg)

Gene: KLF6 (Kruppel like factor 6; minus strand). Cytogenetic location: 10p15.2.
Variant type: single nucleotide variant.
Coding change: c.276C>A on transcript NM_001300.6 (MANE Select); coding-DNA position 276, C replaced by A.
Protein change: p.Ser92Arg; replaces serine 92 with arginine.
Molecular consequence: missense variant. On other transcripts: non-coding transcript variant (1).
Genome position (GRCh38, 1-based): chr10:3,782,041, G>T on the plus strand (C>A on the coding strand, the complement: KLF6 is on the minus strand). VCF-style: chr10-3782041-G-T. GRCh37 (hg19) VCF-style: chr10-3824233-G-T.
Other names: c.276C>A, p.Ser92Arg (NM_001160124.2, NM_001160125.2); short protein forms S92R.
Identifiers: ClinVar variation 134632 (VCV000134632.1), dbSNP rs587778436, ClinGen allele CA160383.

ClinVar aggregate classification (germline): not provided (0 of 4 stars; one submission).

Submission:

ITMI
No classification provided. Condition: AllHighlyPenetrant. Last evaluated: 2013-09-19. Review status: no classification provided. Collection method: reference population. Allele origin: germline.
Comment: Please see associated publication for description of ethnicities

Literature cited by the submitters: PubMed 24728327.